The following is an entry in ClinVar:

NM_004036.5(ADCY3):c.500A>G (p.Asp167Gly)

Gene: ADCY3 (adenylate cyclase 3; minus strand). Cytogenetic location: 2p23.3.
Variant type: single nucleotide variant.
Coding change: c.500A>G on transcript NM_004036.5 (MANE Select); coding-DNA position 500, A replaced by G.
Protein change: p.Asp167Gly; replaces aspartic acid 167 with glycine.
Molecular consequence: missense variant.
Genome position (GRCh38, 1-based): chr2:24,918,488, T>C on the plus strand (A>G on the coding strand, the complement: ADCY3 is on the minus strand). VCF-style: chr2-24918488-T-C. GRCh37 (hg19) VCF-style: chr2-25141357-T-C.
Other names: c.500A>G, p.Asp167Gly (NM_001320613.2, NM_001377128.1, NM_001377129.1 and 2 more transcripts); short protein forms D167G.
Identifiers: ClinVar variation 3353337 (VCV003353337.1).

ClinVar aggregate classification (germline): Uncertain significance (0 of 4 stars; one submission).

Conditions:
ADCY3-related disorder. Also called: ADCY3-related condition.

gnomAD v4.1: 35 of 1,613,966 alleles (0.0022%); highest among the groups gnomAD compares: Non-Finnish European, 0.0028%; no homozygotes.

Submission:

PreventionGenetics, part of Exact Sciences
Classification: Uncertain significance for ADCY3-related condition. Last evaluated: 2023-12-06. Review status: no assertion criteria provided. Collection method: clinical testing. Allele origin: germline.
Comment: The ADCY3 c.500A>G variant is predicted to result in the amino acid substitution p.Asp167Gly. To our knowledge, this variant has not been reported in the literature. This variant is reported in 0.0028% of alleles in individuals of Latino descent in gnomAD. At this time, the clinical significance of this variant is uncertain due to the absence of conclusive functional and genetic evidence.